The following is an entry in ClinVar:

ClinVar aggregate classification (germline): Uncertain significance. Review status: criteria provided, multiple submitters, no conflicts (2 of 4 stars). 2 submissions from 2 submitters: Uncertain significance (2). Last evaluated 2023-12-21.

Conditions:
Leber congenital amaurosis 4 (LCA4). Identifiers: MedGen C1858386, MONDO:0011458, OMIM 604393.

Allele frequency attached by ClinVar (database versions not stated): gnomAD exomes below 0.00001 and 0.00002; gnomAD 0.00001; ExAC 0.00002; TOPMed 0.00002; ESP Exome Variant Server 0.00008; 1000 Genomes Project 30x 0.00016; 1000 Genomes Project 0.00020.
gnomAD v4.1: 9 of 1,608,984 alleles (0.00056%); highest among the groups gnomAD compares: African/African-American, 0.0053%; no homozygotes.

Submissions (2):

Blueprint Genetics
Classification: Uncertain significance. Last evaluated: 2023-12-21. Review status: criteria provided, single submitter. Criteria: ACMG Guidelines, 2015. Collection method: clinical testing. Allele origin: germline.

Labcorp Genetics (formerly Invitae), Labcorp
Classification: Uncertain significance for Leber congenital amaurosis 4. Last evaluated: 2022-04-12. Review status: criteria provided, single submitter. Criteria: Invitae Variant Classification Sherloc (09022015). Collection method: clinical testing. Allele origin: germline.
Comment: This sequence change replaces glutamic acid, which is acidic and polar, with lysine, which is basic and polar, at codon 152 of the AIPL1 protein (p.Glu152Lys). This variant is present in population databases (rs150886208, gnomAD 0.03%). This variant has not been reported in the literature in individuals affected with AIPL1-related conditions. ClinVar contains an entry for this variant (Variation ID: 1022698). Algorithms developed to predict the effect of missense changes on protein structure and function are either unavailable or do not agree on the potential impact of this missense change (SIFT: "Deleterious"; PolyPhen-2: "Probably Damaging"; Align-GVGD: "Class C0"). In summary, the available evidence is currently insufficient to determine the role of this variant in disease. Therefore, it has been classified as a Variant of Uncertain Significance.

NM_014336.5(AIPL1):c.454G>A (p.Glu152Lys)

Gene: AIPL1 (AIP like 1 HSP90 co-chaperone; minus strand). Cytogenetic location: 17p13.2.
Variant type: single nucleotide variant.
Coding change: c.454G>A on transcript NM_014336.5 (MANE Select); coding-DNA position 454, G replaced by A.
Protein change: p.Glu152Lys; replaces glutamic acid 152 with lysine.
Molecular consequence: missense variant. On other transcripts: intron variant (1).
Genome position (GRCh38, 1-based): chr17:6,428,329, C>T on the plus strand (G>A on the coding strand, the complement: AIPL1 is on the minus strand). VCF-style: chr17-6428329-C-T. GRCh37 (hg19) VCF-style: chr17-6331649-C-T.
Other names: c.274G>A, p.Glu92Lys (NM_001033055.3); c.418G>A, p.Glu140Lys (NM_001285399.3); c.388G>A, p.Glu130Lys (NM_001285400.3); c.454G>A, p.Glu152Lys (NM_001285401.3, NM_001285403.4); c.337G>A, p.Glu113Lys (NM_001285402.2); c.277-1272G>A (NM_001033054.3); short protein forms E113K, E130K, E140K, E152K, E92K.
Identifiers: ClinVar variation 1022698 (VCV001022698.5), dbSNP rs150886208, ClinGen allele CA8328510.